The following is an entry in ClinVar:

ClinVar aggregate classification (germline): Uncertain significance (1 of 4 stars; one submission).

Submission:

GeneDx
Classification: Uncertain significance. Last evaluated: 2023-04-04. Review status: criteria provided, single submitter. Criteria: GeneDx Variant Classification Process June 2021. Collection method: clinical testing. Allele origin: germline. Affected: yes.
Comment: Not observed at significant frequency in large population cohorts (gnomAD); In-frame deletion of 1 amino acid in a non-repeat region; In silico analysis supports a deleterious effect on protein structure/function; Has not been previously published as pathogenic or benign to our knowledge

NM_033118.4(MYLK2):c.1621AAC[1] (p.Asn542del)

Gene: MYLK2 (myosin light chain kinase 2; plus strand). Cytogenetic location: 20q11.21.
Variant type: Microsatellite.
Coding change: c.1621AAC[1] on transcript NM_033118.4 (MANE Select); one copy of the 3-base unit AAC starting at c.1621; the reference has two copies in a row; one copy, 3 bases deleted; also written c.1624_1626del.
Protein change: p.Asn542del; deletes asparagine 542.
Molecular consequence: inframe deletion. On other transcripts: inframe indel (2).
Genome position (GRCh38, 1-based): chr20:31,832,050-31,832,052, AAC deleted; deleting any 3 consecutive bases within chr20:31,832,046-31,832,052 gives the same sequence; the position shown is the placement nearest the transcript's 3' end. VCF-style (leftmost placement, unchanged base first): chr20-31832045-TCAA-T. GRCh37 (hg19) VCF-style: chr20-30419848-TCAA-T.
Other names: c.1621_1623AAC[1], p.Asn542del (NM_033118.3); c.1624_1626del (NM_033118.3); short protein forms N542del.
Identifiers: ClinVar variation 2662434 (VCV002662434.1), dbSNP rs2515461420, ClinGen allele CA2695201392.